The following is an entry in ClinVar:

ClinVar aggregate classification (germline): Likely benign (1 of 4 stars; one submission).

Allele frequency attached by ClinVar (database versions not stated): gnomAD 0.00002; ExAC 0.00003; TOPMed 0.00007.
gnomAD v4.1: 123 of 1,613,910 alleles (0.0076%); highest among the groups gnomAD compares: East Asian, 0.1%; no homozygotes.

Submission:

CeGaT Center for Human Genetics Tuebingen
Classification: Likely benign. Last evaluated: 2025-07-01. Review status: criteria provided, single submitter. Criteria: CeGaT Center For Human Genetics Tuebingen Variant Classification Criteria Version 2. Collection method: clinical testing. Allele origin: germline. Affected: yes. Observed: 2 variant alleles.
Comment: ZNF462: BP4, BP7

NM_021224.6(ZNF462):c.5244G>A (p.Pro1748=)

Gene: ZNF462 (zinc finger protein 462; plus strand). Cytogenetic location: 9q31.2.
Variant type: single nucleotide variant.
Coding change: c.5244G>A on transcript NM_021224.6 (MANE Select); coding-DNA position 5244, G replaced by A.
Protein change: p.Pro1748=; no amino-acid change (proline 1748 retained).
Molecular consequence: synonymous variant. On other transcripts: intron variant (1).
Genome position (GRCh38, 1-based): chr9:106,929,156, G>A. VCF-style: chr9-106929156-G-A. GRCh37 (hg19) VCF-style: chr9-109691437-G-A.
Other names: c.3253-1369G>A (NM_001347997.2).
Identifiers: ClinVar variation 2659387 (VCV002659387.24), dbSNP rs763452696, ClinGen allele CA5171970.